The following is an entry in ClinVar:

ClinVar aggregate classification (germline): Uncertain significance (1 of 4 stars; one submission).

gnomAD v4.1: 49 of 1,612,244 alleles (0.003%); highest among the groups gnomAD compares: Middle Eastern, 0.016%; no homozygotes.

Submission:

GeneDx
Classification: Uncertain significance. Last evaluated: 2025-07-02. Review status: criteria provided, single submitter. Criteria: GeneDx Variant Classification Process June 2021. Collection method: clinical testing. Allele origin: germline. Affected: yes.
Comment: Reported in a patient with early and severe fluoropyrimidine-induced toxicity in published literature (PMID: 32529295); In silico analysis supports that this missense variant has a deleterious effect on protein structure/function; This variant is associated with the following publications: (PMID: 32529295, 28481884)

NM_000110.4(DPYD):c.2087G>A (p.Arg696His)

Genes: DPYD (dihydropyrimidine dehydrogenase; minus strand), DPYD-AS1 (DPYD antisense RNA 1; plus strand). Cytogenetic location: 1p21.3.
Variant type: single nucleotide variant.
Coding change: c.2087G>A on transcript NM_000110.4 (MANE Select); coding-DNA position 2087, G replaced by A.
Protein change: p.Arg696His; replaces arginine 696 with histidine.
Molecular consequence: missense variant. On other transcripts: non-coding transcript variant (1).
Genome position (GRCh38, 1-based): chr1:97,306,269, C>T on the plus strand (G>A on the coding strand, the complement: DPYD is on the minus strand). VCF-style: chr1-97306269-C-T. GRCh37 (hg19) VCF-style: chr1-97771825-C-T.
Other names: short protein forms R696H.
Identifiers: ClinVar variation 4680892 (VCV004680892.1).